The following is an entry in ClinVar:

ClinVar aggregate classification (germline): Uncertain significance (1 of 4 stars; one submission).

gnomAD v4.1: 1 of 1,613,918 alleles (0.000062%); no homozygotes.

Submission:

Dasa
Classification: Uncertain significance. Last evaluated: 2026-02-10. Review status: criteria provided, single submitter. Criteria: DASA Assertion Criteria. Collection method: clinical testing. Allele origin: germline.
Comment: NM_024721.5(ZFHX4):c.7150G>C (p.Gly2384Arg) is a missense variant that results in the substitution of glycine with arginine. This variant is rare in population databases. The currently available literature and clinical evidence are not sufficient to establish a definitive association between this variant and the reported condition. Therefore, this variant is classified as a variant of uncertain significance.

NM_024721.5(ZFHX4):c.7150G>C (p.Gly2384Arg)

Gene: ZFHX4 (zinc finger homeobox 4; plus strand). Cytogenetic location: 8q21.13.
Variant type: single nucleotide variant.
Coding change: c.7150G>C on transcript NM_024721.5 (MANE Select); coding-DNA position 7150, G replaced by C.
Protein change: p.Gly2384Arg; replaces glycine 2384 with arginine.
Molecular consequence: missense variant.
Genome position (GRCh38, 1-based): chr8:76,854,071, G>C. VCF-style: chr8-76854071-G-C. GRCh37 (hg19) VCF-style: chr8-77766307-G-C.
Other names: c.7072G>C, p.Gly2358Arg (NM_001410934.1); short protein forms G2358R, G2384R.
Identifiers: ClinVar variation 4852670 (VCV004852670.2).